The following is an entry in ClinVar:

NM_000455.5(STK11):c.862+199C>A

Gene: STK11 (serine/threonine kinase 11; plus strand). Cytogenetic location: 19p13.3.
Variant type: single nucleotide variant.
Coding change: c.862+199C>A on transcript NM_000455.5 (MANE Select); 199 bases into the intron after coding-DNA position 862, C replaced by A.
Molecular consequence: intron variant.
Genome position (GRCh38, 1-based): chr19:1,221,539, C>A. VCF-style: chr19-1221539-C-A. GRCh37 (hg19) VCF-style: chr19-1221538-C-A.
Identifiers: ClinVar variation 677153 (VCV000677153.1), dbSNP rs117741423, ClinGen allele CA304027088.

ClinVar aggregate classification (germline): Likely benign (1 of 4 stars; one submission).

Allele frequency attached by ClinVar (database versions not stated): 1000 Genomes Project 0.00739; 1000 Genomes Project 30x 0.00796; TOPMed 0.01425.
gnomAD v4.1: 16,689 of 845,428 alleles (2%); highest among the groups gnomAD compares: Non-Finnish European, 2.5%; 236 homozygotes.

Submission:

GeneDx
Classification: Likely benign. Last evaluated: 2018-06-17. Review status: criteria provided, single submitter. Criteria: GeneDx Variant Classification (06012015). Collection method: clinical testing. Allele origin: germline. Affected: yes.
Comment: This variant is considered likely benign or benign based on one or more of the following criteria: it is a conservative change, it occurs at a poorly conserved position in the protein, it is predicted to be benign by multiple in silico algorithms, and/or has population frequency not consistent with disease.